The following is an entry in ClinVar:

ClinVar aggregate classification (germline): Benign/Likely benign. Review status: criteria provided, multiple submitters, no conflicts (2 of 4 stars). 5 submissions from 5 submitters: Benign (1); Likely benign (4). Last evaluated 2026-01-31.

Conditions:
BAP1-related tumor predisposition syndrome (TPDS1). Also called: BAP1 tumor predisposition syndrome; COMMON Syndrome; TUMOR PREDISPOSITION SYNDROME 1; Tumor susceptibility linked to germline BAP1 mutations. Identifiers: Orphanet 289539, MedGen C3280492, MONDO:0013692, OMIM 614327.
Hereditary cancer-predisposing syndrome. Also called: Neoplastic Syndromes, Hereditary; Tumor predisposition; Hereditary Cancer Syndrome; Hereditary neoplastic syndrome. Identifiers: Orphanet 140162, MedGen C0027672, MeSH D009386, MONDO:0015356.

Allele frequency attached by ClinVar (database versions not stated): ExAC 0.00001; gnomAD 0.00003 and 0.00005; gnomAD exomes 0.00003 and 0.00007; TOPMed 0.00003.
gnomAD v4.1: 111 of 1,614,094 alleles (0.0069%); highest among the groups gnomAD compares: East Asian, 0.13%; no homozygotes.

Submissions (5):

Labcorp Genetics (formerly Invitae), Labcorp
Classification: Likely benign for BAP1-related tumor predisposition syndrome. Last evaluated: 2026-01-31. Review status: criteria provided, single submitter. Criteria: Invitae Variant Classification Sherloc (09022015). Collection method: clinical testing. Allele origin: germline.

Myriad Genetics, Inc.
Classification: Benign for BAP1-related tumor predisposition syndrome. Last evaluated: 2024-07-17. Review status: criteria provided, single submitter. Criteria: Myriad Autosomal Dominant, Autosomal Recessive and X-Linked Classification Criteria (2023). Collection method: clinical testing. Allele origin: unknown.
Comment: This variant is considered benign. This variant is a silent/synonymous amino acid change and it is not expected to impact splicing.

GeneDx
Classification: Likely benign. Last evaluated: 2018-04-03. Review status: criteria provided, single submitter. Criteria: GeneDx Variant Classification (06012015). Collection method: clinical testing. Allele origin: germline. Affected: yes.
Comment: This variant is considered likely benign or benign based on one or more of the following criteria: it is a conservative change, it occurs at a poorly conserved position in the protein, it is predicted to be benign by multiple in silico algorithms, and/or has population frequency not consistent with disease.

Color Diagnostics, LLC DBA Color Health
Classification: Likely benign for Hereditary cancer-predisposing syndrome. Last evaluated: 2017-04-03. Review status: criteria provided, single submitter. Criteria: ACMG Guidelines, 2015. Collection method: clinical testing. Allele origin: germline.

Ambry Genetics
Classification: Likely benign for Hereditary cancer-predisposing syndrome. Last evaluated: 2015-10-23. Review status: criteria provided, single submitter. Criteria: Ambry Variant Classification Scheme 2023. Collection method: clinical testing. Allele origin: germline.

NM_004656.4(BAP1):c.1821G>A (p.Thr607=)

Gene: BAP1 (BRCA1 associated deubiquitinase 1; minus strand). Cytogenetic location: 3p21.1.
Variant type: single nucleotide variant.
Coding change: c.1821G>A on transcript NM_004656.4 (MANE Select); coding-DNA position 1821, G replaced by A.
Protein change: p.Thr607=; no amino-acid change (threonine 607 retained).
Molecular consequence: synonymous variant.
Genome position (GRCh38, 1-based): chr3:52,403,207, C>T on the plus strand (G>A on the coding strand, the complement: BAP1 is on the minus strand). VCF-style: chr3-52403207-C-T. GRCh37 (hg19) VCF-style: chr3-52437223-C-T.
Identifiers: ClinVar variation 472680 (VCV000472680.19), dbSNP rs752063900, ClinGen allele CA2436708.